The following is an entry in ClinVar:

NM_006060.6(IKZF1):c.1301C>T (p.Ala434Val)

Gene: IKZF1 (IKAROS family zinc finger 1; plus strand). Cytogenetic location: 7p12.2.
Variant type: single nucleotide variant.
Coding change: c.1301C>T on transcript NM_006060.6 (MANE Select); coding-DNA position 1301, C replaced by T.
Protein change: p.Ala434Val; replaces alanine 434 with valine.
Molecular consequence: missense variant.
Genome position (GRCh38, 1-based): chr7:50,400,368, C>T. VCF-style: chr7-50400368-C-T. GRCh37 (hg19) VCF-style: chr7-50468066-C-T.
Other names: c.1175C>T, p.Ala392Val (NM_001220765.3, NM_001291837.2); c.1010C>T, p.Ala337Val (NM_001220767.2); c.1040C>T, p.Ala347Val (NM_001220768.2, NM_001291838.2); c.884C>T, p.Ala295Val (NM_001220770.2); c.872C>T, p.Ala291Val (NM_001220771.2, NM_001291841.1); c.914C>T, p.Ala305Val (NM_001291839.2); c.611C>T, p.Ala204Val (NM_001291840.1); c.842C>T, p.Ala281Val (NM_001291842.1); and 3 more; short protein forms A204V, A239V, A249V, A281V, A291V, A295V, A305V, A337V.
Identifiers: ClinVar variation 1802010 (VCV001802010.7), dbSNP rs760920682, ClinGen allele CA158198469.

ClinVar aggregate classification (germline): Uncertain significance. Review status: criteria provided, multiple submitters, no conflicts (2 of 4 stars). 3 submissions from 3 submitters: Uncertain significance (3). Last evaluated 2022-09-21.

Allele frequency attached by ClinVar (database versions not stated): gnomAD 0.00003.
gnomAD v4.1: 37 of 1,612,980 alleles (0.0023%); highest among the groups gnomAD compares: Non-Finnish European, 0.0025%; no homozygotes.

Submissions (3):

Labcorp Genetics (formerly Invitae), Labcorp
Classification: Uncertain significance. Last evaluated: 2022-09-21. Review status: criteria provided, single submitter. Criteria: Invitae Variant Classification Sherloc (09022015). Collection method: clinical testing. Allele origin: germline.
Comment: In summary, the available evidence is currently insufficient to determine the role of this variant in disease. Therefore, it has been classified as a Variant of Uncertain Significance. Algorithms developed to predict the effect of missense changes on protein structure and function are either unavailable or do not agree on the potential impact of this missense change (SIFT: "Not Available"; PolyPhen-2: "Benign"; Align-GVGD: "Not Available"). This variant has not been reported in the literature in individuals affected with IKZF1-related conditions. This variant is present in population databases (rs760920682, gnomAD 0.03%). This sequence change replaces alanine, which is neutral and non-polar, with valine, which is neutral and non-polar, at codon 434 of the IKZF1 protein (p.Ala434Val).

GeneDx
Classification: Uncertain significance. Last evaluated: 2022-06-02. Review status: criteria provided, single submitter. Criteria: GeneDx Variant Classification Process June 2021. Collection method: clinical testing. Allele origin: germline. Affected: yes.
Comment: Not observed at significant frequency in large population cohorts (gnomAD); In silico analysis supports that this missense variant has a deleterious effect on protein structure/function; Has not been previously published as pathogenic or benign to our knowledge

Blueprint Genetics
Classification: Uncertain significance. Last evaluated: 2020-06-08. Review status: criteria provided, single submitter. Criteria: ACMG Guidelines, 2015. Collection method: clinical testing. Allele origin: germline.